The following is an entry in ClinVar:

NM_198578.4(LRRK2):c.1646C>A (p.Ala549Asp)

Gene: LRRK2 (leucine rich repeat kinase 2; plus strand). Cytogenetic location: 12q12.
Variant type: single nucleotide variant.
Coding change: c.1646C>A on transcript NM_198578.4 (MANE Select); coding-DNA position 1646, C replaced by A.
Protein change: p.Ala549Asp; replaces alanine 549 with aspartic acid.
Molecular consequence: missense variant.
Genome position (GRCh38, 1-based): chr12:40,263,891, C>A. VCF-style: chr12-40263891-C-A. GRCh37 (hg19) VCF-style: chr12-40657693-C-A.
Other names: short protein forms A549D.
Identifiers: ClinVar variation 1777154 (VCV001777154.2), dbSNP rs1305033151, ClinGen allele CA384399269.

ClinVar aggregate classification (germline): Uncertain significance (1 of 4 stars; one submission).

Conditions:
Inborn genetic diseases. Identifiers: MedGen C0950123, MeSH D030342.

Allele frequency attached by ClinVar (database versions not stated): TOPMed 0.00002; gnomAD 0.00003.
gnomAD v4.1: 5 of 1,605,444 alleles (0.00031%); highest among the groups gnomAD compares: African/African-American, 0.0054%; no homozygotes.

Submission:

Ambry Genetics
Classification: Uncertain significance for Inborn genetic diseases. Last evaluated: 2023-12-04. Review status: criteria provided, single submitter. Criteria: Ambry Variant Classification Scheme 2023. Collection method: clinical testing. Allele origin: germline.
Comment: The p.A549D variant (also known as c.1646C>A), located in coding exon 14 of the LRRK2 gene, results from a C to A substitution at nucleotide position 1646. The alanine at codon 549 is replaced by aspartic acid, an amino acid with dissimilar properties. This amino acid position is conserved. In addition, the in silico prediction for this alteration is inconclusive. Since supporting evidence is limited at this time, the clinical significance of this alteration remains unclear.